The following is an entry in ClinVar:

ClinVar aggregate classification (germline): Likely benign (1 of 4 stars; one submission).

Allele frequency attached by ClinVar (database versions not stated): ExAC 0.00002; TOPMed 0.00010; gnomAD 0.00014; 1000 Genomes Project 0.00020; 1000 Genomes Project 30x 0.00031.
gnomAD v4.1: 161 of 1,614,080 alleles (0.01%); highest among the groups gnomAD compares: Non-Finnish European, 0.013%; no homozygotes.

Submission:

CeGaT Center for Human Genetics Tuebingen
Classification: Likely benign. Last evaluated: 2022-11-01. Review status: criteria provided, single submitter. Criteria: CeGaT Center For Human Genetics Tuebingen Variant Classification Criteria Version 2. Collection method: clinical testing. Allele origin: germline. Affected: yes. Observed: 1 variant allele.
Comment: LAMA1: BP4

NM_005559.4(LAMA1):c.4432G>A (p.Ala1478Thr)

Gene: LAMA1 (laminin subunit alpha 1; minus strand). Cytogenetic location: 18p11.31.
Variant type: single nucleotide variant.
Coding change: c.4432G>A on transcript NM_005559.4 (MANE Select); coding-DNA position 4432, G replaced by A.
Protein change: p.Ala1478Thr; replaces alanine 1478 with threonine.
Molecular consequence: missense variant.
Genome position (GRCh38, 1-based): chr18:6,999,948, C>T on the plus strand (G>A on the coding strand, the complement: LAMA1 is on the minus strand). VCF-style: chr18-6999948-C-T. GRCh37 (hg19) VCF-style: chr18-6999947-C-T.
Other names: short protein forms A1478T.
Identifiers: ClinVar variation 2648547 (VCV002648547.24), dbSNP rs372497706, ClinGen allele CA8881917.